The following is an entry in ClinVar:

ClinVar aggregate classification (germline): Uncertain significance (1 of 4 stars; one submission).

Submission:

Labcorp Genetics (formerly Invitae), Labcorp
Classification: Uncertain significance. Last evaluated: 2025-08-20. Review status: criteria provided, single submitter. Criteria: Invitae Variant Classification Sherloc (09022015). Collection method: clinical testing. Allele origin: germline.
Comment: This sequence change replaces lysine, which is basic and polar, with glutamic acid, which is acidic and polar, at codon 764 of the COL2A1 protein (p.Lys764Glu). This variant is not present in population databases (gnomAD no frequency). This missense change has been observed in individual(s) with clinical features of COL2A1-related conditions (PMID: 30138938). Invitae Evidence Modeling of protein sequence and biophysical properties (such as structural, functional, and spatial information, amino acid conservation, physicochemical variation, residue mobility, and thermodynamic stability) indicates that this missense variant is expected to disrupt COL2A1 protein function with a positive predictive value of 95%. In summary, the available evidence is currently insufficient to determine the role of this variant in disease. Therefore, it has been classified as a Variant of Uncertain Significance.

Literature cited by the submitters: PubMed 30138938.

NM_001844.5(COL2A1):c.2290A>G (p.Lys764Glu)

Gene: COL2A1 (collagen type II alpha 1 chain; minus strand). Cytogenetic location: 12q13.11.
Variant type: single nucleotide variant.
Coding change: c.2290A>G on transcript NM_001844.5 (MANE Select); coding-DNA position 2290, A replaced by G.
Protein change: p.Lys764Glu; replaces lysine 764 with glutamic acid.
Molecular consequence: missense variant.
Genome position (GRCh38, 1-based): chr12:47,982,513, T>C on the plus strand (A>G on the coding strand, the complement: COL2A1 is on the minus strand). VCF-style: chr12-47982513-T-C. GRCh37 (hg19) VCF-style: chr12-48376296-T-C.
Other names: c.2083A>G, p.Lys695Glu (NM_033150.3); short protein forms K764E, K695E.
Identifiers: ClinVar variation 4737629 (VCV004737629.1).